The following is an entry in ClinVar:

ClinVar aggregate classification (germline): Likely benign (1 of 4 stars; one submission).

Allele frequency attached by ClinVar (database versions not stated): gnomAD exomes below 0.00001.
gnomAD v4.1: 3 of 1,612,460 alleles (0.00019%); highest among the groups gnomAD compares: East Asian, 0.0045%; no homozygotes.

Submission:

CeGaT Center for Human Genetics Tuebingen
Classification: Likely benign. Last evaluated: 2023-02-01. Review status: criteria provided, single submitter. Criteria: CeGaT Center For Human Genetics Tuebingen Variant Classification Criteria Version 2. Collection method: clinical testing. Allele origin: germline. Affected: yes. Observed: 1 variant allele.
Comment: WDR1: BP4

NM_017491.5(WDR1):c.1385T>C (p.Ile462Thr)

Gene: WDR1 (WD repeat domain 1; minus strand). Cytogenetic location: 4p16.1.
Variant type: single nucleotide variant.
Coding change: c.1385T>C on transcript NM_017491.5 (MANE Select); coding-DNA position 1385, T replaced by C.
Protein change: p.Ile462Thr; replaces isoleucine 462 with threonine.
Molecular consequence: missense variant.
Genome position (GRCh38, 1-based): chr4:10,078,901, A>G on the plus strand (T>C on the coding strand, the complement: WDR1 is on the minus strand). VCF-style: chr4-10078901-A-G. GRCh37 (hg19) VCF-style: chr4-10080525-A-G.
Other names: c.965T>C, p.Ile322Thr (NM_005112.5); short protein forms I322T, I462T.
Identifiers: ClinVar variation 2654666 (VCV002654666.24), dbSNP rs1360612427, ClinGen allele CA356357343.
Genomic context (GRCh38, chr4:10,078,901, plus strand): 5'-TCACCCAGATACCAAGGACAGAGAGCACGGGGGAGAGGAAAGCGACTTACCACACCCCCA[A>G]TTGCCACCGTGTCCCCGCCGGGGTGCACTGCCACAACTTCGGGCTCGTAGCCGGGGTTGT-3'
Protein context (NP_059830.1, residues 452-472): AVHPGGDTVA[Ile462Thr]GGVDGNVRLY